The following is an entry in ClinVar:

NM_001165963.4(SCN1A):c.3803T>G (p.Leu1268Arg)

Genes: SCN1A (sodium voltage-gated channel alpha subunit 1; minus strand), LOC102724058 (uncharacterized LOC102724058; plus strand). Cytogenetic location: 2q24.3.
Variant type: single nucleotide variant.
Coding change: c.3803T>G on transcript NM_001165963.4 (MANE Select); coding-DNA position 3803, T replaced by G.
Protein change: p.Leu1268Arg; replaces leucine 1268 with arginine.
Molecular consequence: missense variant. On other transcripts: non-coding transcript variant (1).
Genome position (GRCh38, 1-based): chr2:166,012,185, A>C on the plus strand (T>G on the coding strand, the complement: SCN1A is on the minus strand). VCF-style: chr2-166012185-A-C. GRCh37 (hg19) VCF-style: chr2-166868695-A-C.
Other names: c.3719T>G, p.Leu1240Arg (NM_001165964.3, NM_001353957.2, NM_001353958.2); c.3803T>G, p.Leu1268Arg (NM_001202435.3, NM_001353948.2); c.3770T>G, p.Leu1257Arg (NM_001353949.2, NM_001353950.2, NM_001353951.2 and 2 more transcripts); c.3767T>G, p.Leu1256Arg (NM_001353954.2, NM_001353955.2); c.3716T>G, p.Leu1239Arg (NM_001353960.2); c.1361T>G, p.Leu454Arg (NM_001353961.2); short protein forms L1240R, L1256R, L1268R, L1239R, L454R, L1257R.
Identifiers: ClinVar variation 1390553 (VCV001390553.7), dbSNP rs2105592653, ClinGen allele CA349054282.

ClinVar aggregate classification (germline): Pathogenic (1 of 4 stars; one submission).

Conditions:
Early-infantile DEE. Also called: Early infantile epileptic encephalopathy with suppression bursts; Early infantile epileptic encephalopathy; Ohtahara syndrome. Identifiers: Orphanet 1934, MedGen C0393706, MONDO:0800491.

Submission:

Labcorp Genetics (formerly Invitae), Labcorp
Classification: Pathogenic for Early-infantile DEE. Last evaluated: 2022-12-08. Review status: criteria provided, single submitter. Criteria: Invitae Variant Classification Sherloc (09022015). Collection method: clinical testing. Allele origin: germline.
Comment: For these reasons, this variant has been classified as Pathogenic. Advanced modeling of protein sequence and biophysical properties (such as structural, functional, and spatial information, amino acid conservation, physicochemical variation, residue mobility, and thermodynamic stability) performed at Invitae indicates that this missense variant is expected to disrupt SCN1A protein function. ClinVar contains an entry for this variant (Variation ID: 1390553). This missense change has been observed in individual(s) with SCN1A-related conditions (Invitae). In at least one individual the variant was observed to be de novo. This variant is not present in population databases (gnomAD no frequency). This sequence change replaces leucine, which is neutral and non-polar, with arginine, which is basic and polar, at codon 1268 of the SCN1A protein (p.Leu1268Arg).